The following is an entry in ClinVar:

NM_001374736.1(DST):c.17764G>A (p.Ala5922Thr)

Gene: DST (dystonin; minus strand). Cytogenetic location: 6p12.1.
Variant type: single nucleotide variant.
Coding change: c.17764G>A on transcript NM_001374736.1 (MANE Select); coding-DNA position 17764, G replaced by A.
Protein change: p.Ala5922Thr; replaces alanine 5922 with threonine.
Molecular consequence: missense variant.
Genome position (GRCh38, 1-based): chr6:56,527,651, C>T on the plus strand (G>A on the coding strand, the complement: DST is on the minus strand). VCF-style: chr6-56527651-C-T. GRCh37 (hg19) VCF-style: chr6-56392449-C-T.
Other names: p.Ala3299Thr; c.9895G>A (NM_015548.4); c.11407G>A, p.Ala3803Thr (NM_001144769.5); c.10993G>A, p.Ala3665Thr (NM_001144770.2); c.17764G>A, p.Ala5922Thr (NM_001374722.1); c.16804G>A, p.Ala5602Thr (NM_001374729.1); c.10546G>A, p.Ala3516Thr (NM_001374730.1); c.17791G>A, p.Ala5931Thr (NM_001374734.1); and 2 more; short protein forms A3299T, A3516T, A3625T, A3665T, A3803T, A5602T, A5922T, A5931T.
Identifiers: ClinVar variation 1328083 (VCV001328083.9), dbSNP rs781217704, ClinGen allele CA3867372.

ClinVar aggregate classification (germline): Uncertain significance. Review status: criteria provided, multiple submitters, no conflicts (2 of 4 stars). 5 submissions from 5 submitters: Uncertain significance (3). 2 of the submissions do not count toward it. Last evaluated 2024-01-23.

Conditions:
Epidermolysis bullosa simplex 3, localized or generalized intermediate, with BP230 deficiency (EBS3). Also called: Epidermolysis bullosa simplex, autosomal recessive 2; Epidermolysis bullosa simplex due to BP230 deficiency. Identifiers: Orphanet 412181, MedGen C3809470, MONDO:0014180, OMIM 615425.
Hereditary sensory and autonomic neuropathy type 6. Also called: HSAN VI; Neuropathy, hereditary sensory and autonomic, type VI. Identifiers: Orphanet 314381, MedGen C3539003, MONDO:0013839, OMIM 614653.

Allele frequency attached by ClinVar (database versions not stated): ExAC 0.00001; gnomAD exomes 0.00001 and 0.00002; gnomAD 0.00002; TOPMed 0.00002.
gnomAD v4.1: 42 of 1,613,638 alleles (0.0026%); highest among the groups gnomAD compares: Middle Eastern, 0.082%; 2 homozygotes.

Submissions (5):

Blueprint Genetics
Classification: Uncertain significance. Last evaluated: 2024-01-23. Review status: criteria provided, single submitter. Criteria: ACMG Guidelines, 2015. Collection method: clinical testing. Allele origin: germline.

Labcorp Genetics (formerly Invitae), Labcorp
Classification: Uncertain significance for Epidermolysis bullosa simplex 3, localized or generalized intermediate, with BP230 deficiency; Hereditary sensory and autonomic neuropathy type 6. Last evaluated: 2023-06-04. Review status: criteria provided, single submitter. Criteria: Invitae Variant Classification Sherloc (09022015). Collection method: clinical testing. Allele origin: germline.
Comment: In summary, the available evidence is currently insufficient to determine the role of this variant in disease. Therefore, it has been classified as a Variant of Uncertain Significance. Experimental studies and prediction algorithms are not available or were not evaluated, and the functional significance of this variant is currently unknown. This variant has not been reported in the literature in individuals affected with DST-related conditions. This variant is present in population databases (rs781217704, gnomAD 0.003%). This sequence change replaces alanine, which is neutral and non-polar, with threonine, which is neutral and polar, at codon 3299 of the DST protein (p.Ala3299Thr). The DST gene has multiple clinically relevant transcripts. This variant occurs in alternate transcript NM_015548.4, and corresponds to NM_001723.5:c.*87866G>A in the primary transcript.

Mayo Clinic Laboratories, Mayo Clinic
Classification: Uncertain significance. Last evaluated: 2022-02-11. Review status: criteria provided, single submitter. Criteria: ACMG Guidelines, 2015. Collection method: clinical testing. Allele origin: germline. Observed: 3 variant alleles.
Comment: BP4, PM2

Clinical Genetics DNA and cytogenetics Diagnostics Lab, Erasmus MC, Erasmus Medical Center
Classification: Uncertain significance. Review status: no assertion criteria provided. Collection method: clinical testing. Allele origin: germline. Affected: yes. Study: VKGL Data-share Consensus. Not counted in ClinVar's aggregate classification.

Clinical Genetics, Academic Medical Center
Classification: Uncertain significance. Review status: no assertion criteria provided. Collection method: clinical testing. Allele origin: germline. Affected: yes. Study: VKGL Data-share Consensus. Not counted in ClinVar's aggregate classification.